The following is an entry in ClinVar:

NM_000187.4(HGD):c.774+711_879+1293del

Genes: HGD (homogentisate 1,2-dioxygenase; minus strand), LOC126806786 (BRD4-independent group 4 enhancer GRCh37_chr3:120360644-120361843; plus strand). Cytogenetic location: 3q13.33.
Variant type: Deletion.
Coding change: c.774+711_879+1293del on transcript NM_000187.4 (MANE Select); 711 bases into the intron after coding-DNA position 774 through 1293 bases into the intron after coding-DNA position 879, 3,313 bases deleted.
Molecular consequence: splice acceptor variant, splice donor variant.
Genome position (GRCh38, 1-based): chr3:120,640,296-120,643,608, 3,313 bases deleted. GRCh37 (hg19): chr3:120,359,147-120,362,459.
Other names: c.775-1915_879+1293del (NM_000187.4).
Identifiers: ClinVar variation 2584693 (VCV002584693.2), ClinGen allele CA2582342875.

ClinVar aggregate classification (germline): Likely pathogenic (0 of 4 stars; one submission).

Conditions:
Alkaptonuria (AKU). Also called: Alkaptonuric ochronosis; Homogentisic acidura; HOMOGENTISIC ACID OXIDASE DEFICIENCY; Alcaptonuria. Identifiers: Orphanet 56, MedGen C0002066, MONDO:0008753, OMIM 203500.

Submission:

Department Of Human Genetics, Institute Of Clinical And Translational Research, Biomedical Research Center, Slovak Academy Of Sciences
Classification: Likely pathogenic for Alkaptonuria. Review status: no assertion criteria provided. Collection method: research. Allele origin: germline. Inheritance: Autosomal recessive inheritance. Affected: yes. Observed: 1 variant allele.
Comment: Variant was identified by MLPA as a deletion of exons 11 (reported in PMID:30737480). Deletion breakpoints were reported in PMID:35110678. However, larger genomic deletion is likely pathogenic. It has been submitted to the HGD gene mutation database (DB-ID: AKU_00213).

Literature cited by the submitters: PubMed 30737480.